The following is an entry in ClinVar:

ClinVar aggregate classification (germline): Uncertain significance (1 of 4 stars; one submission).

Allele frequency attached by ClinVar (database versions not stated): TOPMed below 0.00001; gnomAD 0.00001.
gnomAD v4.1: 1 of 1,613,744 alleles (0.000062%); highest among the groups gnomAD compares: Non-Finnish European, 0.000085%; no homozygotes.

Submission:

Ambry Genetics
Classification: Uncertain significance. Last evaluated: 2023-07-13. Review status: criteria provided, single submitter. Criteria: Ambry Variant Classification Scheme 2023. Collection method: clinical testing. Allele origin: germline.
Comment: The p.Y2285C variant (also known as c.6854A>G), located in coding exon 24 of the POLQ gene, results from an A to G substitution at nucleotide position 6854. The tyrosine at codon 2285 is replaced by cysteine, an amino acid with highly dissimilar properties. This amino acid position is conserved. In addition, this alteration is predicted to be tolerated by in silico analysis. Since supporting evidence is limited at this time, the clinical significance of this alteration remains unclear.

NM_199420.4(POLQ):c.6854A>G (p.Tyr2285Cys)

Gene: POLQ (DNA polymerase theta; minus strand). Cytogenetic location: 3q13.33.
Variant type: single nucleotide variant.
Coding change: c.6854A>G on transcript NM_199420.4 (MANE Select); coding-DNA position 6854, A replaced by G.
Protein change: p.Tyr2285Cys; replaces tyrosine 2285 with cysteine.
Molecular consequence: missense variant.
Genome position (GRCh38, 1-based): chr3:121,467,632, T>C on the plus strand (A>G on the coding strand, the complement: POLQ is on the minus strand). VCF-style: chr3-121467632-T-C. GRCh37 (hg19) VCF-style: chr3-121186479-T-C.
Other names: short protein forms Y2285C.
Identifiers: ClinVar variation 2624466 (VCV002624466.2), dbSNP rs2047849542, ClinGen allele CA354110853.
Genomic context (GRCh38, chr3:121,467,632, plus strand): 5'-TCTGCAGCTCTCTCCTCCATCTGTGCCTGGCATCTAGGATTCACGCTGAAACCCTTCTTA[T>C]ATTTTCCTCTGTGGTGCAAACAACATCATCAGTTAGACATGAAGCAGTCTCAAATATATG-3'
Protein context (NP_955452.3, residues 2275-2295): KGLLPMGRGK[Tyr2285Cys]KKGFSVNPRC